The following is an entry in ClinVar:

ClinVar aggregate classification (germline): Uncertain significance (1 of 4 stars; one submission).

Conditions:
Encephalopathy, acute, infection-induced (herpes-specific), susceptibility to, 1. Also called: Herpes simplex encephalitis, susceptibility to, 1. Identifiers: Orphanet 1930, MedGen C2750180, MONDO:0024563, OMIM 610551.

Allele frequency attached by ClinVar (database versions not stated): TOPMed 0.00003; gnomAD exomes below 0.00001.
gnomAD v4.1: 5 of 1,614,208 alleles (0.00031%); highest among the groups gnomAD compares: Non-Finnish European, 0.00042%; no homozygotes.

Submission:

Labcorp Genetics (formerly Invitae), Labcorp
Classification: Uncertain significance for Herpes simplex encephalitis 1. Last evaluated: 2018-08-22. Review status: criteria provided, single submitter. Criteria: Invitae Variant Classification Sherloc (09022015). Collection method: clinical testing. Allele origin: germline.
Comment: This sequence change replaces lysine with threonine at codon 89 of the TLR3 protein (p.Lys89Thr). The lysine residue is moderately conserved and there is a moderate physicochemical difference between lysine and threonine. This variant is not present in population databases (ExAC no frequency). This variant has not been reported in the literature in individuals with TLR3-related disease. Algorithms developed to predict the effect of missense changes on protein structure and function (SIFT, PolyPhen-2, Align-GVGD) all suggest that this variant is likely to be tolerated, but these predictions have not been confirmed by published functional studies and their clinical significance is uncertain. In summary, the available evidence is currently insufficient to determine the role of this variant in disease. Therefore, it has been classified as a Variant of Uncertain Significance.

NM_003265.3(TLR3):c.266A>C (p.Lys89Thr)

Gene: TLR3 (toll like receptor 3; plus strand). Cytogenetic location: 4q35.1.
Variant type: single nucleotide variant.
Coding change: c.266A>C on transcript NM_003265.3 (MANE Select); coding-DNA position 266, A replaced by C.
Protein change: p.Lys89Thr; replaces lysine 89 with threonine.
Molecular consequence: missense variant.
Genome position (GRCh38, 1-based): chr4:186,076,885, A>C. VCF-style: chr4-186076885-A-C. GRCh37 (hg19) VCF-style: chr4-186998039-A-C.
Other names: short protein forms K89T.
Identifiers: ClinVar variation 656378 (VCV000656378.1), dbSNP rs967601262, ClinGen allele CA112539639.